The following is an entry in ClinVar:

NM_001252024.2(TRPM1):c.3123del (p.Ile1041fs)

Genes: TRPM1 (transient receptor potential cation channel subfamily M member 1; minus strand), TRPM1-AS1 (TRPM1 antisense RNA 1; plus strand). Cytogenetic location: 15q13.3.
Variant type: Deletion.
Coding change: c.3123del on transcript NM_001252024.2 (MANE Select); coding-DNA position 3123, one base deleted (A; older notation c.3123delA).
Protein change: p.Ile1041fs; shifts the reading frame from isoleucine 1041.
Molecular consequence: frameshift variant.
Genome position (GRCh38, 1-based): chr15:31,030,987, T deleted on the plus strand (A on the coding strand, the reverse complement: TRPM1 is on the minus strand). VCF-style (leftmost placement, unchanged base first): chr15-31030986-CT-C. GRCh37 (hg19) VCF-style: chr15-31323189-CT-C.
Other names: c.3174del, p.Ile1058fs (NM_001252020.2); c.3057del, p.Ile1019fs (NM_002420.6); short protein forms I1058fs, I1019fs, I1041fs.
Identifiers: ClinVar variation 852361 (VCV000852361.9), dbSNP rs751373279, ClinGen allele CA7451991.

ClinVar aggregate classification (germline): Pathogenic (1 of 4 stars; one submission).

Allele frequency attached by ClinVar (database versions not stated): gnomAD exomes below 0.00001; ExAC 0.00001.

Submission:

Labcorp Genetics (formerly Invitae), Labcorp
Classification: Pathogenic. Last evaluated: 2022-06-20. Review status: criteria provided, single submitter. Criteria: Invitae Variant Classification Sherloc (09022015). Collection method: clinical testing. Allele origin: germline.
Comment: This sequence change creates a premature translational stop signal (p.Ile1019Metfs*50) in the TRPM1 gene. It is expected to result in an absent or disrupted protein product. Loss-of-function variants in TRPM1 are known to be pathogenic (PMID: 19896113, 19966281, 20300565). This variant is present in population databases (rs751373279, gnomAD 0.003%). This variant has not been reported in the literature in individuals affected with TRPM1-related conditions. ClinVar contains an entry for this variant (Variation ID: 852361). Algorithms developed to predict the effect of sequence changes on RNA splicing suggest that this variant may disrupt the consensus splice site. For these reasons, this variant has been classified as Pathogenic.

Literature cited by the submitters: PubMed 19896113; PubMed 19966281; PubMed 20300565.